The following is an entry in ClinVar:

NM_004336.5(BUB1):c.977G>A (p.Gly326Glu)

Gene: BUB1 (BUB1 mitotic checkpoint serine/threonine kinase; minus strand). Cytogenetic location: 2q13.
Variant type: single nucleotide variant.
Coding change: c.977G>A on transcript NM_004336.5 (MANE Select); coding-DNA position 977, G replaced by A.
Protein change: p.Gly326Glu; replaces glycine 326 with glutamic acid.
Molecular consequence: missense variant.
Genome position (GRCh38, 1-based): chr2:110,661,822, C>T on the plus strand (G>A on the coding strand, the complement: BUB1 is on the minus strand). VCF-style: chr2-110661822-C-T. GRCh37 (hg19) VCF-style: chr2-111419399-C-T.
Other names: c.917G>A, p.Gly306Glu (NM_001278616.2); c.977G>A, p.Gly326Glu (NM_001278617.2); short protein forms G306E, G326E.
Identifiers: ClinVar variation 1768168 (VCV001768168.3), dbSNP rs2468017833, ClinGen allele CA348214689.
Genomic context (GRCh38, chr2:110,661,822, plus strand): 5'-TGCTGATAGGTTACTGGAAGACATGGCGCTCTCAGTTCCTGCTGGGAGCCTACACTTGGC[C>T]CCATACGTGCTGGATTAACCTTTCATATTAAACAAACAAACAACAAAAACAAAACCATGA-3'
Protein context (NP_004327.1, residues 316-336): ERSEVNPARM[Gly326Glu]PSVGSQQELR

ClinVar aggregate classification (germline): Uncertain significance (1 of 4 stars; one submission).

Allele frequency attached by ClinVar (database versions not stated): gnomAD exomes 0.00001.
gnomAD v4.1: 7 of 1,614,138 alleles (0.00043%); highest among the groups gnomAD compares: Non-Finnish European, 0.00059%; no homozygotes.

Submission:

Ambry Genetics
Classification: Uncertain significance. Last evaluated: 2024-04-09. Review status: criteria provided, single submitter. Criteria: Ambry Variant Classification Scheme 2023. Collection method: clinical testing. Allele origin: germline.
Comment: The p.G326E variant (also known as c.977G>A), located in coding exon 10 of the BUB1 gene, results from a G to A substitution at nucleotide position 977. The glycine at codon 326 is replaced by glutamic acid, an amino acid with similar properties. This amino acid position is conserved. In addition, this alteration is predicted to be tolerated by in silico analysis. Since supporting evidence is limited at this time, the clinical significance of this alteration remains unclear.